The following is an entry in ClinVar:

NM_001323289.2(CDKL5):c.375G>C (p.Trp125Cys)

Gene: CDKL5 (cyclin dependent kinase like 5; plus strand). Cytogenetic location: Xp22.13.
Variant type: single nucleotide variant.
Coding change: c.375G>C on transcript NM_001323289.2 (MANE Select); coding-DNA position 375, G replaced by C.
Protein change: p.Trp125Cys; replaces tryptophan 125 with cysteine.
Molecular consequence: missense variant.
Genome position (GRCh38, 1-based): chrX:18,579,940, G>C. VCF-style: chrX-18579940-G-C. GRCh37 (hg19) VCF-style: chrX-18598060-G-C.
Other names: c.375G>C, p.Trp125Cys (NM_001037343.2, NM_003159.3); short protein forms W125C.
Identifiers: ClinVar variation 962951 (VCV000962951.10), dbSNP rs372825651, ClinGen allele CA10360249.
Genomic context (GRCh38, chrX:18,579,940, plus strand): 5'-TGGAGTTCCACCTGAGAAAGTAAAAAGCTACATCTATCAGCTAATCAAGGCTATTCACTG[G>C]TGCCATAAGAATGATATTGTCCATCGAGGTGAGTATGAGATTTTTAAAATGGAAAATATT-3'
Protein context (NP_001310218.1, residues 115-135): YIYQLIKAIH[Trp125Cys]CHKNDIVHRD

ClinVar aggregate classification (germline): Uncertain significance (1 of 4 stars; one submission).

Conditions:
Developmental and epileptic encephalopathy, 2 (DEE2). Also called: CDKL5 deficiency disorder; INFANTILE SPASM SYNDROME, X-LINKED 2. Identifiers: Orphanet 1934, Orphanet 3451, Orphanet 505652, MedGen C4750718, MONDO:0010396, OMIM 300672.
Angelman syndrome-like. Identifiers: MedGen CN128785.

Allele frequency attached by ClinVar (database versions not stated): ESP Exome Variant Server 0.00009; ExAC 0.00001; gnomAD exomes 0.00001.
gnomAD v4.1: 15 of 1,201,579 alleles (0.0012%); highest among the groups gnomAD compares: Non-Finnish European, 0.0017%; no homozygotes.

Submission:

Labcorp Genetics (formerly Invitae), Labcorp
Classification: Uncertain significance for Developmental and epileptic encephalopathy, 2; Angelman syndrome-like. Last evaluated: 2025-02-16. Review status: criteria provided, single submitter. Criteria: Invitae Variant Classification Sherloc (09022015). Collection method: clinical testing. Allele origin: germline.
Comment: This sequence change replaces tryptophan, which is neutral and slightly polar, with cysteine, which is neutral and slightly polar, at codon 125 of the CDKL5 protein (p.Trp125Cys). This variant is present in population databases (rs372825651, gnomAD 0.003%), including at least one homozygous and/or hemizygous individual. This variant has not been reported in the literature in individuals affected with CDKL5-related conditions. ClinVar contains an entry for this variant (Variation ID: 962951). Invitae Evidence Modeling of protein sequence and biophysical properties (such as structural, functional, and spatial information, amino acid conservation, physicochemical variation, residue mobility, and thermodynamic stability) indicates that this missense variant is expected to disrupt CDKL5 protein function with a positive predictive value of 95%. In summary, the available evidence is currently insufficient to determine the role of this variant in disease. Therefore, it has been classified as a Variant of Uncertain Significance.